The following is an entry in ClinVar:

ClinVar aggregate classification (germline): Pathogenic (1 of 4 stars; one submission).

Conditions:
Duchenne muscular dystrophy (DMD). Also called: MUSCULAR DYSTROPHY, PSEUDOHYPERTROPHIC PROGRESSIVE, DUCHENNE TYPE; Duchenne Muscular Dystrophy (DMD). Identifiers: Orphanet 98896, MedGen C0013264, MONDO:0010679, OMIM 310200.

Submission:

Labcorp Genetics (formerly Invitae), Labcorp
Classification: Pathogenic for Duchenne muscular dystrophy. Last evaluated: 2022-08-12. Review status: criteria provided, single submitter. Criteria: Invitae Variant Classification Sherloc (09022015). Collection method: clinical testing. Allele origin: germline.
Comment: This variant is not present in population databases (gnomAD no frequency). For these reasons, this variant has been classified as Pathogenic. Algorithms developed to predict the effect of sequence changes on RNA splicing suggest that this variant may disrupt the consensus splice site. This variant has not been reported in the literature in individuals affected with DMD-related conditions. This sequence change creates a premature translational stop signal (p.Glu1219Valfs*4) in the DMD gene. It is expected to result in an absent or disrupted protein product. Loss-of-function variants in DMD are known to be pathogenic (PMID: 16770791, 25007885).

Literature cited by the submitters: PubMed 16770791; PubMed 25007885.

NM_004006.3(DMD):c.3656_3657del (p.Glu1219fs)

Gene: DMD (dystrophin; minus strand). Cytogenetic location: Xp21.1.
Variant type: Deletion.
Coding change: c.3656_3657del on transcript NM_004006.3 (MANE Select); coding-DNA positions 3656 to 3657, 2 bases deleted (AG; older notation c.3656_3657delAG).
Protein change: p.Glu1219fs; shifts the reading frame from glutamic acid 1219.
Molecular consequence: frameshift variant.
Genome position (GRCh38, 1-based): chrX:32,448,585-32,448,586, CT deleted on the plus strand (AG on the coding strand, the reverse complement: DMD is on the minus strand); deleting any 2 consecutive bases within chrX:32,448,585-32,448,587 gives the same sequence; the c. name uses the placement nearest the transcript's 3' end. VCF-style (leftmost placement, unchanged base first): chrX-32448584-ACT-A. GRCh37 (hg19) VCF-style: chrX-32466701-ACT-A.
Other names: c.3632_3633del, p.Glu1211fs (NM_000109.4); c.3644_3645del, p.Glu1215fs (NM_004009.3); c.3287_3288del, p.Glu1096fs (NM_004010.3); short protein forms E1096fs, E1211fs, E1215fs, E1219fs.
Identifiers: ClinVar variation 2023741 (VCV002023741.4), dbSNP rs2524245428, ClinGen allele CA2580100653.